The following is an entry in ClinVar:

ClinVar aggregate classification (germline): Pathogenic. Review status: criteria provided, multiple submitters, no conflicts (2 of 4 stars). 6 submissions from 6 submitters: Pathogenic (6). Last evaluated 2024-11-03.

Conditions:
Joubert syndrome. Also called: JOUBERT-BOLTSHAUSER SYNDROME; Familial aplasia of the vermis. Identifiers: Orphanet 475, MedGen C5979921, MONDO:0018772.
Joubert syndrome 3 (JBTS3). Also called: AHI1-related Ciliopathy. Identifiers: Orphanet 220493, MedGen C1837713, MONDO:0012078, OMIM 608629.

Allele frequency attached by ClinVar (database versions not stated): TOPMed 0.00001; gnomAD 0.00001; ExAC 0.00002; gnomAD exomes 0.00001 and below 0.00001.
gnomAD v4.1: 8 of 1,611,116 alleles (0.0005%); highest among the groups gnomAD compares: East Asian, 0.0022%; no homozygotes.

Submissions (6):

Labcorp Genetics (formerly Invitae), Labcorp
Classification: Pathogenic for Joubert syndrome. Last evaluated: 2024-11-03. Review status: criteria provided, single submitter. Criteria: Invitae Variant Classification Sherloc (09022015). Collection method: clinical testing. Allele origin: germline.
Comment: This sequence change creates a premature translational stop signal (p.Arg610*) in the AHI1 gene. It is expected to result in an absent or disrupted protein product. Loss-of-function variants in AHI1 are known to be pathogenic (PMID: 15322546, 16453322, 28442542, 29186038). This variant is present in population databases (rs751734985, gnomAD 0.006%). This premature translational stop signal has been observed in individual(s) with Joubert syndrome (PMID: 16541367, 28097321). ClinVar contains an entry for this variant (Variation ID: 984718). For these reasons, this variant has been classified as Pathogenic.

Myriad Genetics, Inc.
Classification: Pathogenic for Joubert syndrome 3. Last evaluated: 2024-10-22. Review status: criteria provided, single submitter. Criteria: Myriad Autosomal Dominant, Autosomal Recessive and X-Linked Classification Criteria (2023). Collection method: clinical testing. Allele origin: unknown.
Comment: NM_001134831.1(AHI1):c.1828C>T(R610*) is expected to be pathogenic in the context of Joubert syndrome, AHI1-related. This variant is predicted to lead to an abnormal or absent protein product due to the creation of a premature termination codon in AHI1, a gene where loss-of-function variants are known to be pathogenic. Please note: this variant was assessed in the context of healthy population screening.

Fulgent Genetics
Classification: Pathogenic for Joubert syndrome 3. Last evaluated: 2024-05-14. Review status: criteria provided, single submitter. Criteria: ACMG Guidelines, 2015. Collection method: clinical testing. Allele origin: germline.

Genomic Medicine Center of Excellence, King Faisal Specialist Hospital and Research Centre
Classification: Pathogenic for Joubert syndrome 3. Last evaluated: 2024-03-14. Review status: criteria provided, single submitter. Criteria: ACMG Guidelines, 2015. Collection method: research. Allele origin: germline.

Institute of Human Genetics, University of Leipzig Medical Center
Classification: Pathogenic for Joubert syndrome 3. Last evaluated: 2020-03-01. Review status: criteria provided, single submitter. Criteria: ACMG Guidelines, 2015. Collection method: clinical testing. Allele origin: biparental. Inheritance: Autosomal recessive inheritance. Affected: yes.
Comment: Review of the variants reported in Reuter et al., 2017, PMID: 28097321: PVS1,PM2,PM3

Revvity Omics, Revvity
Classification: Pathogenic for Joubert syndrome 3. Last evaluated: 2020-02-26. Review status: criteria provided, single submitter. Criteria: ACMG Guidelines, 2015. Collection method: clinical testing. Allele origin: germline.

Literature cited by the submitters: PubMed 15322546 (cited by Labcorp Genetics (formerly Invitae), Labcorp); PubMed 16453322 (cited by Labcorp Genetics (formerly Invitae), Labcorp); PubMed 28442542 (cited by Labcorp Genetics (formerly Invitae), Labcorp); PubMed 29186038 (cited by Labcorp Genetics (formerly Invitae), Labcorp); PubMed 16541367 (cited by Labcorp Genetics (formerly Invitae), Labcorp); PubMed 28097321 (cited by Labcorp Genetics (formerly Invitae), Labcorp).

NM_001134831.2(AHI1):c.1828C>T (p.Arg610Ter)

Gene: AHI1 (Abelson helper integration site 1; minus strand). Cytogenetic location: 6q23.3.
Variant type: single nucleotide variant.
Coding change: c.1828C>T on transcript NM_001134831.2 (MANE Select); coding-DNA position 1828, C replaced by T.
Protein change: p.Arg610Ter; replaces arginine 610 with a stop codon.
Molecular consequence: nonsense.
Genome position (GRCh38, 1-based): chr6:135,442,666, G>A on the plus strand (C>T on the coding strand, the complement: AHI1 is on the minus strand). VCF-style: chr6-135442666-G-A. GRCh37 (hg19) VCF-style: chr6-135763804-G-A.
Other names: c.1828C>T, p.Arg610Ter (NM_001134830.2, NM_001134832.2, NM_001350503.2 and 2 more transcripts); short protein forms R610*.
Identifiers: ClinVar variation 984718 (VCV000984718.15), dbSNP rs751734985, ClinGen allele CA4012501.